The following is an entry in ClinVar:

NM_001267550.2(TTN):c.58208C>G (p.Ala19403Gly)

Genes: TTN (titin; minus strand), TTN-AS1 (TTN antisense RNA 1; plus strand). Cytogenetic location: 2q31.2.
Variant type: single nucleotide variant.
Coding change: c.58208C>G on transcript NM_001267550.2 (MANE Select); coding-DNA position 58208, C replaced by G.
Protein change: p.Ala19403Gly; replaces alanine 19403 with glycine.
Molecular consequence: missense variant.
Genome position (GRCh38, 1-based): chr2:178,594,185, G>C on the plus strand (C>G on the coding strand, the complement: TTN is on the minus strand). VCF-style: chr2-178594185-G-C. GRCh37 (hg19) VCF-style: chr2-179458912-G-C.
Other names: p.A17762G:GCT>GGT; c.53285C>G, p.Ala17762Gly (NM_001256850.1); c.31013C>G, p.Ala10338Gly (NM_003319.4); c.50504C>G, p.Ala16835Gly (NM_133378.4); c.31388C>G, p.Ala10463Gly (NM_133432.3); c.31589C>G, p.Ala10530Gly (NM_133437.4); short protein forms A17762G, A19403G, A10338G, A10463G, A10530G, A16835G.
Identifiers: ClinVar variation 202734 (VCV000202734.6), dbSNP rs573503792, ClinGen allele CA310122.

ClinVar aggregate classification (germline): Uncertain significance. Review status: criteria provided, multiple submitters, no conflicts (2 of 4 stars). 3 submissions from 3 submitters: Uncertain significance (3). Last evaluated 2024-06-05.

Conditions:
Myopathy, myofibrillar, 9, with early respiratory failure (MFM9). Also called: EDSTROM MYOPATHY; MYOPATHY, PROXIMAL, WITH EARLY RESPIRATORY MUSCLE INVOLVEMENT; Myopathy, distal, with early respiratory failure, autosomal dominant; Hereditary myopathy with early respiratory failure. Identifiers: Orphanet 178464, Orphanet 34521, MedGen C1863599, MONDO:0011362, OMIM 603689.
Early-onset myopathy with fatal cardiomyopathy (CMYO5). Also called: CONGENITAL MYOPATHY 5 WITH CARDIOMYOPATHY; Salih Myopathy. Identifiers: Orphanet 289377, MedGen C2673677, MONDO:0012714, OMIM 611705. Disease mechanism: loss of function.
Hypertrophic cardiomyopathy 9. Also called: Familial hypertrophic cardiomyopathy 9. Identifiers: MedGen C1861065, MONDO:0013412, OMIM 613765.
Dilated cardiomyopathy 1G (CMD1G). Identifiers: Orphanet 154, MedGen C1858763, MONDO:0011400, OMIM 604145.
Tibial muscular dystrophy (TMD). Also called: UDD MYOPATHY; Tibial muscular dystrophy, tardive; Udd Distal Myopathy – Tibial Muscular Dystrophy. Identifiers: Orphanet 609, MedGen C1838244, MONDO:0010870, OMIM 600334.
Autosomal recessive limb-girdle muscular dystrophy type 2J (LGMDR10). Also called: MUSCULAR DYSTROPHY, LIMB-GIRDLE, AUTOSOMAL RECESSIVE 10; Limb-girdle muscular dystrophy, type 2J. Identifiers: Orphanet 140922, MedGen C1837342, MONDO:0012127, OMIM 608807.

Allele frequency attached by ClinVar (database versions not stated): ExAC 0.00002; gnomAD exomes 0.00002; gnomAD 0.00006; TOPMed 0.00011; 1000 Genomes Project 30x 0.00016; 1000 Genomes Project 0.00020.
gnomAD v4.1: 17 of 1,613,346 alleles (0.0011%); highest among the groups gnomAD compares: African/African-American, 0.016%; no homozygotes.

Submissions (3):

Fulgent Genetics
Classification: Uncertain significance for Tibial muscular dystrophy; Myopathy, myofibrillar, 9, with early respiratory failure; Dilated cardiomyopathy 1G; Autosomal recessive limb-girdle muscular dystrophy type 2J; Early-onset myopathy with fatal cardiomyopathy; Hypertrophic cardiomyopathy 9. Last evaluated: 2024-06-05. Review status: criteria provided, single submitter. Criteria: ACMG Guidelines, 2015. Collection method: clinical testing. Allele origin: germline.

Revvity Omics, Revvity
Classification: Uncertain significance. Last evaluated: 2020-05-25. Review status: criteria provided, single submitter. Criteria: ACMG Guidelines, 2015. Collection method: clinical testing. Allele origin: germline.

GeneDx
Classification: Uncertain significance. Last evaluated: 2013-09-13. Review status: criteria provided, single submitter. Criteria: GeneDx Variant Classification (06012015). Collection method: clinical testing. Allele origin: germline. Affected: yes.
Comment: Missense variants in the TTN gene are considered 'unclassified' if they are not previously reported in the literature and do not have >1% frequency in the population to be considered a polymorphism. Research indicates that truncating mutations in the TTN gene are expected to account for approximately 25% of familial and 18% of sporadic idiopathic DCM; however, truncating variants in the TTN gene have been reported in approximately 3% of reported control alleles. There has been little investigation into non-truncating variants. (Herman D et al. Truncations of titin causing dilated cardiomyopathy. N Eng J Med 366:619-628, 2012) The variant is found in DCM panel(s).